The following is an entry in ClinVar:

ClinVar aggregate classification (germline): Uncertain significance. Review status: criteria provided, multiple submitters, no conflicts (2 of 4 stars). 2 submissions from 2 submitters: Uncertain significance (2). Last evaluated 2025-01-01.

Conditions:
Autosomal dominant Alport syndrome (ATS3A). Also called: Alport syndrome dominant type; Renal failure and sensorineural hearing loss; ALPORT SYNDROME 3A, AUTOSOMAL DOMINANT. Identifiers: Orphanet 63, Orphanet 88918, MedGen C5882663, MONDO:0007086, OMIM 104200.
Hematuria, benign familial, 2 (BFH2). Identifiers: MedGen C5830421, MONDO:0958186, OMIM 620320.
Alport syndrome 3b, autosomal recessive. Identifiers: MedGen C5882699, MONDO:0957811, OMIM 620536.

gnomAD v4.1: 63 of 1,613,758 alleles (0.0039%); highest among the groups gnomAD compares: Non-Finnish European, 0.005%; no homozygotes.

Submissions (2):

Labcorp Genetics (formerly Invitae), Labcorp
Classification: Uncertain significance. Last evaluated: 2025-01-01. Review status: criteria provided, single submitter. Criteria: Invitae Variant Classification Sherloc (09022015). Collection method: clinical testing. Allele origin: germline.
Comment: This sequence change replaces threonine, which is neutral and polar, with isoleucine, which is neutral and non-polar, at codon 1489 of the COL4A3 protein (p.Thr1489Ile). This variant is present in population databases (rs200818438, gnomAD 0.005%). This variant has not been reported in the literature in individuals affected with COL4A3-related conditions. Invitae Evidence Modeling of protein sequence and biophysical properties (such as structural, functional, and spatial information, amino acid conservation, physicochemical variation, residue mobility, and thermodynamic stability) indicates that this missense variant is expected to disrupt COL4A3 protein function with a positive predictive value of 80%. In summary, the available evidence is currently insufficient to determine the role of this variant in disease. Therefore, it has been classified as a Variant of Uncertain Significance.

Fulgent Genetics
Classification: Uncertain significance for Autosomal dominant Alport syndrome; Hematuria, benign familial, 2; Alport syndrome 3b, autosomal recessive. Last evaluated: 2024-03-21. Review status: criteria provided, single submitter. Criteria: ACMG Guidelines, 2015. Collection method: clinical testing. Allele origin: germline.

NM_000091.5(COL4A3):c.4466C>T (p.Thr1489Ile)

Genes: COL4A3 (collagen type IV alpha 3 chain; plus strand), MFF-DT (MFF divergent transcript; minus strand). Cytogenetic location: 2q36.3.
Variant type: single nucleotide variant.
Coding change: c.4466C>T on transcript NM_000091.5 (MANE Select); coding-DNA position 4466, C replaced by T.
Protein change: p.Thr1489Ile; replaces threonine 1489 with isoleucine.
Molecular consequence: missense variant.
Genome position (GRCh38, 1-based): chr2:227,308,902, C>T. VCF-style: chr2-227308902-C-T. GRCh37 (hg19) VCF-style: chr2-228173618-C-T.
Other names: short protein forms T1489I.
Identifiers: ClinVar variation 3586142 (VCV003586142.2).
Genomic context (GRCh38, chr2:227,308,902, plus strand): 5'-GATGCTGAAAATAACTTTAACTTACTGAAAGTGATACTCAGTCTGATGTTTCATTAGGAA[C>T]TCTTGGCAGCTGCCTGCAGCGATTTACCACAATGCCATTCTTATTCTGCAATGTCAATGA-3'
Protein context (NP_000082.2, residues 1479-1499): NQRAHGQDLG[Thr1489Ile]LGSCLQRFTT